The following is an entry in ClinVar:

NM_000520.6(HEXA):c.380T>G (p.Leu127Arg)

Gene: HEXA (hexosaminidase subunit alpha; minus strand). Cytogenetic location: 15q23.
Variant type: single nucleotide variant.
Coding change: c.380T>G on transcript NM_000520.6 (MANE Select); coding-DNA position 380, T replaced by G.
Protein change: p.Leu127Arg; replaces leucine 127 with arginine.
Molecular consequence: missense variant. On other transcripts: non-coding transcript variant (1).
Genome position (GRCh38, 1-based): chr15:72,355,591, A>C on the plus strand (T>G on the coding strand, the complement: HEXA is on the minus strand). VCF-style: chr15-72355591-A-C. GRCh37 (hg19) VCF-style: chr15-72647932-A-C.
Other names: c.413T>G, p.Leu138Arg (NM_001318825.2); c.380T>G (NM_000520.5); short protein forms L127R, L138R.
Identifiers: ClinVar variation 3930 (VCV000003930.178), dbSNP rs121907975, ClinGen allele CA252929.

ClinVar aggregate classification (germline): Pathogenic. Review status: criteria provided, multiple submitters, no conflicts (2 of 4 stars). 4 submissions from 4 submitters: Pathogenic (3). 1 of the submissions does not count toward it. Last evaluated 2024-05-21.

Conditions:
Tay-Sachs disease (TSD). Also called: HEXA DEFICIENCY; Hexosaminidase A Deficiency; HEXA Disorders; GM2 gangliosidosis, type 1; Hexosaminidase alpha-subunit deficiency (variant B); Sphingolipidosis, Tay-Sachs. Identifiers: Orphanet 845, MedGen C0039373, MONDO:0010100, OMIM 272800.

Allele frequency attached by ClinVar (database versions not stated): TOPMed below 0.00001.

Submissions (4):

Natera, Inc.
Classification: Pathogenic for Tay-Sachs disease. Last evaluated: 2024-05-21. Review status: criteria provided, single submitter. Criteria: Natera Variant Classification Schema (03/2026). Collection method: clinical testing. Allele origin: germline.
Comment: The c.380T>G variant in HEXA is a missense variant predicted to cause substitution of leucine to arginine at amino acid 127. This variant is rare in the general population with a frequency below the threshold expected for the associated phenotype(s). This variant has been observed in one or more individuals affected with the associated recessive disease, as either homozygous or compound heterozygous with a second variant (PMID: 16088929, 34440436). Given the available evidence, this variant is classified as Pathogenic.

Women's Health and Genetics/Laboratory Corporation of America, LabCorp
Classification: Pathogenic for Tay-Sachs disease. Last evaluated: 2023-10-25. Review status: criteria provided, single submitter. Criteria: LabCorp Variant Classification Summary - May 2015. Collection method: clinical testing. Allele origin: germline.
Comment: Variant summary: HEXA c.380T>G (p.Leu127Arg) results in a non-conservative amino acid change in the encoded protein sequence. Five of five in-silico tools predict a damaging effect of the variant on protein function. The variant was absent in 251428 control chromosomes. c.380T>G has been reported in the literature in multiple individuals affected with Tay-Sachs Disease (examples, Akli_1993, Montalvo_2005, Bembi_2006, Barbosa-Gouveia_2021). These data indicate that the variant is very likely to be associated with disease. To our knowledge, no experimental evidence demonstrating an impact on protein function has been reported. The following publications have been ascertained in the context of this evaluation (PMID: 8490625, 34440436, 16434676, 16088929). One submitter has cited clinical-significance assessments for this variant to ClinVar after 2014 and has classified the variant as pathogenic. Based on the evidence outlined above, the variant was classified as pathogenic.

Labcorp Genetics (formerly Invitae), Labcorp
Classification: Pathogenic for Tay-Sachs disease. Last evaluated: 2023-09-08. Review status: criteria provided, single submitter. Criteria: Invitae Variant Classification Sherloc (09022015). Collection method: clinical testing. Allele origin: germline.
Comment: For these reasons, this variant has been classified as Pathogenic. Advanced modeling of protein sequence and biophysical properties (such as structural, functional, and spatial information, amino acid conservation, physicochemical variation, residue mobility, and thermodynamic stability) performed at Invitae indicates that this missense variant is expected to disrupt HEXA protein function. ClinVar contains an entry for this variant (Variation ID: 3930). This missense change has been observed in individual(s) with Tay-Sachs disease (PMID: 8490625, 16088929). This variant is not present in population databases (gnomAD no frequency). This sequence change replaces leucine, which is neutral and non-polar, with arginine, which is basic and polar, at codon 127 of the HEXA protein (p.Leu127Arg).

OMIM
Classification: Pathogenic for TAY-SACHS DISEASE. Last evaluated: 1993-01-01. Review status: no assertion criteria provided. Collection method: literature only. Allele origin: germline. Not counted in ClinVar's aggregate classification.

Literature cited by the submitters: PubMed 16088929 (cited by 3 submitters); PubMed 34440436 (cited by Natera, Inc. and Women's Health and Genetics/Laboratory Corporation of America, LabCorp); PubMed 8490625 (cited by 3 submitters); PubMed 16434676 (cited by Women's Health and Genetics/Laboratory Corporation of America, LabCorp).